The following is an entry in ClinVar:

NM_000321.3(RB1):c.1450A>G (p.Met484Val)

Gene: RB1 (RB transcriptional corepressor 1; plus strand). Cytogenetic location: 13q14.2.
Variant type: single nucleotide variant.
Coding change: c.1450A>G on transcript NM_000321.3 (MANE Select); coding-DNA position 1450, A replaced by G.
Protein change: p.Met484Val; replaces methionine 484 with valine.
Molecular consequence: missense variant.
Genome position (GRCh38, 1-based): chr13:48,380,193, A>G. VCF-style: chr13-48380193-A-G. GRCh37 (hg19) VCF-style: chr13-48954329-A-G.
Other names: c.1450A>G, p.Met484Val (NM_001407165.1, NM_001407166.1); short protein forms M484V.
Identifiers: ClinVar variation 2774210 (VCV002774210.3), dbSNP rs1391587135, ClinGen allele CA388162824.

ClinVar aggregate classification (germline): Uncertain significance. Review status: criteria provided, multiple submitters, no conflicts (2 of 4 stars). 2 submissions from 2 submitters: Uncertain significance (2). Last evaluated 2023-08-23.

Conditions:
Retinoblastoma (RB1). Also called: RETINOBLASTOMA, SOMATIC. Identifiers: Orphanet 790, MedGen C0035335, MeSH D012175, MONDO:0008380, OMIM 180200, HP:0009919. Disease mechanism: loss of function. Inheritance: Both sporadic and heritable forms are tested..

Allele frequency attached by ClinVar (database versions not stated): TOPMed below 0.00001; gnomAD 0.00001.
gnomAD v4.1: 1 of 1,594,672 alleles (0.000063%); highest among the groups gnomAD compares: East Asian, 0.0023%; no homozygotes.

Submissions (2):

All of Us Research Program, National Institutes of Health
Classification: Uncertain significance for Retinoblastoma. Last evaluated: 2023-08-23. Review status: criteria provided, single submitter. Criteria: ACMG Guidelines, 2015. Collection method: clinical testing. Allele origin: germline. Inheritance: Autosomal dominant inheritance. Observed: 1 variant allele, 1 heterozygote.
Comment: This missense variant replaces methionine with valine at codon 484 of the RB1 protein. Computational prediction suggests that this variant may not impact protein structure and function (internally defined REVEL score threshold <= 0.5, PMID: 27666373). To our knowledge, functional studies have not been reported for this variant. This variant has not been reported in individuals affected with RB1-related disorders in the literature. This variant has not been identified in the general population by the Genome Aggregation Database (gnomAD). The available evidence is insufficient to determine the role of this variant in disease conclusively. Therefore, this variant is classified as a Variant of Uncertain Significance.

This study involves interpretation of variants in research participants for the purpose of population health screening. Participant phenotype was not available at the time of variant classification. Additional details can be found in publication PMID: 35346344, PMCID: PMC8962531

Color Diagnostics, LLC DBA Color Health
Classification: Uncertain significance for Retinoblastoma. Last evaluated: 2023-06-21. Review status: criteria provided, single submitter. Criteria: ACMG Guidelines, 2015. Collection method: clinical testing. Allele origin: germline.
Comment: This missense variant replaces methionine with valine at codon 484 of the RB1 protein. Computational prediction suggests that this variant may not impact protein structure and function (internally defined REVEL score threshold <= 0.5, PMID: 27666373). To our knowledge, functional studies have not been reported for this variant. This variant has not been reported in individuals affected with RB1-related disorders in the literature. This variant has not been identified in the general population by the Genome Aggregation Database (gnomAD). The available evidence is insufficient to determine the role of this variant in disease conclusively. Therefore, this variant is classified as a Variant of Uncertain Significance.